The following is an entry in ClinVar:

ClinVar aggregate classification (germline): Benign/Likely benign. Review status: criteria provided, multiple submitters, no conflicts (2 of 4 stars). 5 submissions from 5 submitters: Benign (4); Likely benign (1). Last evaluated 2026-01-28.

Conditions:
Leigh syndrome (NULS). Also called: Leigh Disease; Subacute necrotizing encephalopathy; Necrotizing encephalopathy infantile subacute of Leigh; Leigh Syndrome (mtDNA deletion); Leigh's syndrome; LEIGH SYNDROME, NUCLEAR. Identifiers: Orphanet 506, MedGen C2931891, MONDO:0009723, OMIM 256000.

Allele frequency attached by ClinVar (database versions not stated): gnomAD exomes 0.00457 and 0.01189; ExAC 0.01427; gnomAD 0.03917 and 0.04192; ESP Exome Variant Server 0.04398; TOPMed 0.04653; 1000 Genomes Project 0.04972; 1000 Genomes Project 30x 0.05231.
gnomAD v4.1: 13,080 of 1,613,526 alleles (0.81%); highest among the groups gnomAD compares: African/African-American, 13%; 764 homozygotes.

Submissions (5):

Labcorp Genetics (formerly Invitae), Labcorp
Classification: Benign. Last evaluated: 2026-01-28. Review status: criteria provided, single submitter. Criteria: Invitae Variant Classification Sherloc (09022015). Collection method: clinical testing. Allele origin: germline.

Mayo Clinic Laboratories, Mayo Clinic
Classification: Benign. Last evaluated: 2019-01-21. Review status: criteria provided, single submitter. Criteria: ACMG Guidelines, 2015. Collection method: clinical testing. Allele origin: germline. Observed: 25 variant alleles.

Illumina Laboratory Services, Illumina
Classification: Benign for Leigh syndrome. Last evaluated: 2018-01-12. Review status: criteria provided, single submitter. Criteria: ICSL Variant Classification Criteria 13 December 2019. Collection method: clinical testing. Allele origin: germline.
Comment: This variant was observed in the ICSL laboratory as part of a predisposition screen in an ostensibly healthy population. It had not been previously curated by ICSL or reported in the Human Gene Mutation Database (HGMD: prior to June 1st, 2018), and was therefore a candidate for classification through an automated scoring system. Utilizing variant allele frequency, disease prevalence and penetrance estimates, and inheritance mode, an automated score was calculated to assess if this variant is too frequent to cause the disease. Based on the score and internal cut-off values, a variant classified as benign is not then subjected to further curation. The score for this variant resulted in a classification of benign for this disease.

GeneDx
Classification: Benign. Last evaluated: 2014-11-19. Review status: criteria provided, single submitter. Criteria: GeneDx Variant Classification (06012015). Collection method: clinical testing. Allele origin: germline. Affected: yes.
Comment: The variant is found in MITONUC-MITOP,MITO24,LSME-MITOP panel(s).

Breakthrough Genomics
Classification: Likely benign. Review status: criteria provided, single submitter. Criteria: ACMG Guidelines, 2015. Collection method: not provided. Allele origin: germline. Inheritance: Autosomal recessive inheritance. Affected: yes.

NM_004589.4(SCO1):c.594A>G (p.Pro198=)

Gene: SCO1 (synthesis of cytochrome C oxidase 1; minus strand). Cytogenetic location: 17p13.1.
Variant type: single nucleotide variant.
Coding change: c.594A>G on transcript NM_004589.4 (MANE Select); coding-DNA position 594, A replaced by G.
Protein change: p.Pro198=; no amino-acid change (proline 198 retained).
Molecular consequence: synonymous variant.
Genome position (GRCh38, 1-based): chr17:10,691,933, T>C on the plus strand (A>G on the coding strand, the complement: SCO1 is on the minus strand). VCF-style: chr17-10691933-T-C. GRCh37 (hg19) VCF-style: chr17-10595250-T-C.
Other names: p.P198P:CCA>CCG; p.Pro198=.
Identifiers: ClinVar variation 139079 (VCV000139079.16), dbSNP rs2271228, ClinGen allele CA293433.